The following is an entry in ClinVar:

NM_001220.5(CAMK2B):c.1443T>G (p.Ala481=)

Gene: CAMK2B (calcium/calmodulin dependent protein kinase II beta; minus strand). Cytogenetic location: 7p13.
Variant type: single nucleotide variant.
Coding change: c.1443T>G on transcript NM_001220.5 (MANE Select); coding-DNA position 1443, T replaced by G.
Protein change: p.Ala481=; no amino-acid change (alanine 481 retained).
Molecular consequence: synonymous variant. On other transcripts: intron variant (8).
Genome position (GRCh38, 1-based): chr7:44,228,821, A>C on the plus strand (T>G on the coding strand, the complement: CAMK2B is on the minus strand). VCF-style: chr7-44228821-A-C. GRCh37 (hg19) VCF-style: chr7-44268420-A-C.
Other names: c.947-7920T>G (NM_172084.3); c.1150+2185T>G (NM_172080.3); c.1036+2185T>G (NM_172083.3); c.1108+2185T>G (NM_172081.3); c.1153+2185T>G (NM_172079.3, NM_172082.3); c.1225+2185T>G (NM_001293170.2, NM_172078.3); c.1443T>G (NM_001220.4).
Identifiers: ClinVar variation 1935872 (VCV001935872.7), dbSNP rs2096547723, ClinGen allele CA454609653.

ClinVar aggregate classification (germline): Likely benign. Review status: criteria provided, single submitter (1 of 4 stars). 2 submissions from 2 submitters: Likely benign (1). 1 of the submissions does not count toward it. Last evaluated 2026-01-13.

Conditions:
CAMK2B-related disorder. Also called: CAMK2B-related condition.

Allele frequency attached by ClinVar (database versions not stated): gnomAD exomes below 0.00001; gnomAD 0.00003; TOPMed 0.00008.
gnomAD v4.1: 9 of 1,531,140 alleles (0.00059%); highest among the groups gnomAD compares: Admixed American, 0.013%; no homozygotes.

Submissions (2):

Labcorp Genetics (formerly Invitae), Labcorp
Classification: Likely benign. Last evaluated: 2026-01-13. Review status: criteria provided, single submitter. Criteria: Invitae Variant Classification Sherloc (09022015). Collection method: clinical testing. Allele origin: germline.

PreventionGenetics, part of Exact Sciences
Classification: Likely benign for CAMK2B-related condition. Last evaluated: 2020-10-21. Review status: no assertion criteria provided. Collection method: clinical testing. Allele origin: germline. Not counted in ClinVar's aggregate classification.
Comment: This variant is classified as likely benign based on ACMG/AMP sequence variant interpretation guidelines (Richards et al. 2015 PMID: 25741868, with internal and published modifications).